The following is an entry in ClinVar:

NM_000465.4(BARD1):c.1672_1673delinsAT (p.Ser558Ile)

Gene: BARD1 (BRCA1 associated RING domain 1; minus strand). Cytogenetic location: 2q35.
Variant type: Indel.
Coding change: c.1672_1673delinsAT on transcript NM_000465.4 (MANE Select); coding-DNA positions 1672 to 1673, TC replaced by AT.
Protein change: p.Ser558Ile; replaces serine 558 with isoleucine.
Molecular consequence: missense variant. On other transcripts: non-coding transcript variant (3), intron variant (1).
Genome position (GRCh38, 1-based): chr2:214,752,451-214,752,452, GA replaced by AT on the plus strand (TC replaced by AT on the coding strand, the reverse complement: BARD1 is on the minus strand). VCF-style: chr2-214752451-GA-AT. GRCh37 (hg19) VCF-style: chr2-215617175-GA-AT.
Other names: c.1615_1616delinsAT, p.Ser539Ile (NM_001282543.2); c.319_320delinsAT, p.Ser107Ile (NM_001282545.2); c.262_263delinsAT, p.Ser88Ile (NM_001282548.2); c.365-21944_365-21943delinsAT (NM_001282549.2); short protein forms S539I, S558I, S107I, S88I.
Identifiers: ClinVar variation 819793 (VCV000819793.4), dbSNP rs1574755915, ClinGen allele CA915941714.
Genomic context (GRCh38, chr2:214,752,451, plus strand): 5'-TTCATAACCAATTTTAATAAAATATATAAATGTCCCAAAGCTAAATCCATACTTACTACT[GA>AT]GCAGTGGCTAGCTGAGGATGATTCATTCTTCTCTGGTAGCAGCAATAGCGATTTCATACT-3'
Protein context (NP_000456.2, residues 548-568): KNESSSASHC[Ser558Ile]VMNTGQRRDG

ClinVar aggregate classification (germline): Uncertain significance (1 of 4 stars; one submission).

Conditions:
Hereditary cancer-predisposing syndrome. Also called: Neoplastic Syndromes, Hereditary; Tumor predisposition; Hereditary Cancer Syndrome; Hereditary neoplastic syndrome. Identifiers: Orphanet 140162, MedGen C0027672, MeSH D009386, MONDO:0015356.

Submission:

Ambry Genetics
Classification: Uncertain significance for Hereditary cancer-predisposing syndrome. Last evaluated: 2021-06-01. Review status: criteria provided, single submitter. Criteria: Ambry Variant Classification Scheme 2023. Collection method: clinical testing. Allele origin: germline.
Comment: The c.1672_1673delTCinsAT variant, located in coding exon 7 of the BARD1 gene, results from an in-frame deletion of TC and insertion of AT at nucleotide positions 1672 to 1673. This results in the substitution of the serine residue for an isoleucine residue at codon 558, an amino acid with dissimilar properties. This amino acid position is well conserved in available vertebrate species. Since supporting evidence is limited at this time, the clinical significance of this alteration remains unclear.